The following is an entry in ClinVar:

NM_007055.4(POLR3A):c.319-196_319-195del

Genes: POLR3A (RNA polymerase III subunit A; minus strand), LOC126860971 (CDK7 strongly-dependent group 2 enhancer GRCh37_chr10:79784551-79785750; plus strand). Cytogenetic location: 10q22.3.
Variant type: Deletion.
Coding change: c.319-196_319-195del on transcript NM_007055.4 (MANE Select); 196 bases into the intron before coding-DNA position 319 through 195 bases into the intron before coding-DNA position 319, 2 bases deleted (CT; older notation c.319-196_319-195delCT).
Molecular consequence: intron variant.
Genome position (GRCh38, 1-based): chr10:78,025,337-78,025,338, AG deleted on the plus strand (CT on the coding strand, the reverse complement: POLR3A is on the minus strand); deleting any 2 consecutive bases within chr10:78,025,337-78,025,339 gives the same sequence; the c. name uses the placement nearest the transcript's 3' end. VCF-style (leftmost placement, unchanged base first): chr10-78025336-CAG-C. GRCh37 (hg19) VCF-style: chr10-79785094-CAG-C.
Identifiers: ClinVar variation 1691619 (VCV001691619.3), dbSNP rs570123766, ClinGen allele CA210227515.

ClinVar aggregate classification (germline): Likely benign (1 of 4 stars; one submission).

Submission:

GeneDx
Classification: Likely benign. Last evaluated: 2021-12-07. Review status: criteria provided, single submitter. Criteria: GeneDx Variant Classification Process June 2021. Collection method: clinical testing. Allele origin: germline. Affected: yes.
Comment: See Variant Classification Assertion Criteria.